The following is an entry in ClinVar:

ClinVar aggregate classification (germline): Uncertain significance (1 of 4 stars; one submission).

Submission:

Labcorp Genetics (formerly Invitae), Labcorp
Classification: Uncertain significance. Last evaluated: 2023-02-24. Review status: criteria provided, single submitter. Criteria: Invitae Variant Classification Sherloc (09022015). Collection method: clinical testing. Allele origin: germline.
Comment: Advanced modeling of protein sequence and biophysical properties (such as structural, functional, and spatial information, amino acid conservation, physicochemical variation, residue mobility, and thermodynamic stability) performed at Invitae indicates that this missense variant is not expected to disrupt CLTC protein function. This sequence change replaces leucine, which is neutral and non-polar, with phenylalanine, which is neutral and non-polar, at codon 367 of the CLTC protein (p.Leu367Phe). This variant is not present in population databases (gnomAD no frequency). This variant has not been reported in the literature in individuals affected with CLTC-related conditions. In summary, the available evidence is currently insufficient to determine the role of this variant in disease. Therefore, it has been classified as a Variant of Uncertain Significance.

NM_004859.4(CLTC):c.1087C>T (p.Leu363Phe)

Gene: CLTC (clathrin heavy chain; plus strand). Cytogenetic location: 17q23.1.
Variant type: single nucleotide variant.
Coding change: c.1087C>T on transcript NM_004859.4 (MANE Select); coding-DNA position 1087, C replaced by T.
Protein change: p.Leu363Phe; replaces leucine 363 with phenylalanine.
Molecular consequence: missense variant.
Genome position (GRCh38, 1-based): chr17:59,660,508, C>T. VCF-style: chr17-59660508-C-T. GRCh37 (hg19) VCF-style: chr17-57737869-C-T.
Other names: c.1099C>T, p.Leu367Phe (NM_001288653.2); short protein forms L367F, L363F.
Identifiers: ClinVar variation 2840584 (VCV002840584.3), dbSNP rs2509377317, ClinGen allele CA400423659.
Genomic context (GRCh38, chr17:59,660,508, plus strand): 5'-CAAAATCCTGATTTGGCTCTGAGAATGGCTGTACGTAATAACTTAGCCGGTGCTGAAGAA[C>T]TCTTTGCCCGGAAATTTAATGCTCTTTTTGCCCAGGGAAATTACTCGGAGGCAGCAAAGG-3'
Protein context (NP_004850.1, residues 353-373): VRNNLAGAEE[Leu363Phe]FARKFNALFA